The following is an entry in ClinVar:

ClinVar aggregate classification (germline): Benign. Review status: criteria provided, multiple submitters, no conflicts (2 of 4 stars). 2 submissions from 2 submitters: Benign (2). Last evaluated 2018-06-14.

Allele frequency attached by ClinVar (database versions not stated): gnomAD exomes 0.84569; gnomAD 0.85993 and 0.86004; TOPMed 0.87129; 1000 Genomes Project 0.89157; 1000 Genomes Project 30x 0.89444.
gnomAD v4.1: 1,247,361 of 1,471,396 alleles (85%); highest among the groups gnomAD compares: East Asian, 94%; 529,678 homozygotes.

Submissions (2):

GeneDx
Classification: Benign. Last evaluated: 2018-06-14. Review status: criteria provided, single submitter. Criteria: GeneDx Variant Classification (06012015). Collection method: clinical testing. Allele origin: germline. Affected: yes.
Comment: This variant is considered likely benign or benign based on one or more of the following criteria: it is a conservative change, it occurs at a poorly conserved position in the protein, it is predicted to be benign by multiple in silico algorithms, and/or has population frequency not consistent with disease.

Breakthrough Genomics
Classification: Benign. Review status: criteria provided, single submitter. Criteria: ACMG Guidelines, 2015. Collection method: not provided. Allele origin: germline. Inheritance: Autosomal dominant inheritance. Affected: yes.

NM_022489.4(INF2):c.2611-122G>C

Gene: INF2 (inverted formin 2; plus strand). Cytogenetic location: 14q32.33.
Variant type: single nucleotide variant.
Coding change: c.2611-122G>C on transcript NM_022489.4 (MANE Select); 122 bases into the intron before coding-DNA position 2611, G replaced by C.
Molecular consequence: intron variant.
Genome position (GRCh38, 1-based): chr14:104,712,706, G>C. VCF-style: chr14-104712706-G-C. GRCh37 (hg19) VCF-style: chr14-105179043-G-C.
Other names: c.2611-122G>C (NM_001031714.4).
Identifiers: ClinVar variation 681944 (VCV000681944.2), dbSNP rs4497619, ClinGen allele CA13985943.